The following is an entry in ClinVar:

NM_006206.6(PDGFRA):c.2959G>T (p.Ala987Ser)

Gene: PDGFRA (platelet derived growth factor receptor alpha; plus strand). Cytogenetic location: 4q12.
Variant type: single nucleotide variant.
Coding change: c.2959G>T on transcript NM_006206.6 (MANE Select); coding-DNA position 2959, G replaced by T.
Protein change: p.Ala987Ser; replaces alanine 987 with serine.
Molecular consequence: missense variant.
Genome position (GRCh38, 1-based): chr4:54,290,391, G>T. VCF-style: chr4-54290391-G-T. GRCh37 (hg19) VCF-style: chr4-55156558-G-T.
Other names: c.2998G>T, p.Ala1000Ser (NM_001347830.2); c.2959G>T, p.Ala987Ser (NM_001347829.2); c.3034G>T, p.Ala1012Ser (NM_001347828.2); short protein forms A1012S, A987S, A1000S.
Identifiers: ClinVar variation 3930235 (VCV003930235.1).
Genomic context (GRCh38, chr4:54,290,391, plus strand): 5'-CTGGACTTCCTGAAGAGTGACCATCCTGCTGTGGCACGCATGCGTGTGGACTCAGACAAT[G>T]CATACATTGGTGTCACCTACAAAAACGAGGAAGACAAGCTGAAGGACTGGGAGGGTGGTC-3'
Protein context (NP_006197.1, residues 977-997): VARMRVDSDN[Ala987Ser]YIGVTYKNEE

ClinVar aggregate classification (germline): Uncertain significance (1 of 4 stars; one submission).

Conditions:
Hereditary cancer-predisposing syndrome. Also called: Tumor predisposition; Hereditary neoplastic syndrome; Hereditary Cancer Syndrome; Neoplastic Syndromes, Hereditary. Identifiers: Orphanet 140162, MedGen C0027672, MeSH D009386, MONDO:0015356.

gnomAD v4.1: 1 of 1,613,640 alleles (0.000062%); highest among the groups gnomAD compares: Non-Finnish European, 0.000085%; no homozygotes.

Submission:

Ambry Genetics
Classification: Uncertain significance for Hereditary cancer-predisposing syndrome. Last evaluated: 2025-06-10. Review status: criteria provided, single submitter. Criteria: Ambry Variant Classification Scheme 2023. Collection method: clinical testing. Allele origin: germline.
Comment: The p.A987S variant (also known as c.2959G>T), located in coding exon 21 of the PDGFRA gene, results from a G to T substitution at nucleotide position 2959. The alanine at codon 987 is replaced by serine, an amino acid with similar properties. This amino acid position is conserved. In addition, this alteration is predicted to be tolerated by in silico analysis. Based on the available evidence, the clinical significance of this variant remains unclear.